The following is an entry in ClinVar:

GRCh37/hg19 19p13.2(chr19:13006847-13007077)x3

Gene: GCDH (glutaryl-CoA dehydrogenase; plus strand). Cytogenetic location: 19p13.2.
Variant type: copy number gain.
Change: copy number 3 (three copies instead of two) of chr19:13,006,847-13,007,077 (0.2 kb, GRCh37 coordinates, 1-based), cytogenetic band 19p13.2.
Identifiers: ClinVar variation 395480 (VCV000395480.3).

ClinVar aggregate classification (germline): Benign/Likely benign (0 of 4 stars; one submission).

Submission:

ISCA Site 6
Classification: Benign/Likely benign. Review status: no assertion criteria provided. Collection method: clinical testing. Allele origin: unknown. Affected: yes. Observed: 2 variant alleles.
Comment: Likely benign (1), Benign (1)

Copy number variation identified through the course of routine clinical cytogenomic testing in postnatal populations, with clinical assertions as classified by the original submitter. For data from the original published study, Kaminsky, et al. 2011 (PubMed 21844811), please see nstd101.